The following is an entry in ClinVar:

ClinVar aggregate classification (germline): Uncertain significance (1 of 4 stars; one submission).

Conditions:
Aicardi-Goutieres syndrome 5. Identifiers: Orphanet 51, MedGen C2749659, MONDO:0013059, OMIM 612952.

Submission:

Labcorp Genetics (formerly Invitae), Labcorp
Classification: Uncertain significance for Aicardi-Goutieres syndrome 5. Last evaluated: 2024-12-02. Review status: criteria provided, single submitter. Criteria: Invitae Variant Classification Sherloc (09022015). Collection method: clinical testing. Allele origin: germline.
Comment: This sequence change replaces isoleucine, which is neutral and non-polar, with phenylalanine, which is neutral and non-polar, at codon 550 of the SAMHD1 protein (p.Ile550Phe). This variant is not present in population databases (gnomAD no frequency). This variant has not been reported in the literature in individuals affected with SAMHD1-related conditions. ClinVar contains an entry for this variant (Variation ID: 2001065). Invitae Evidence Modeling of protein sequence and biophysical properties (such as structural, functional, and spatial information, amino acid conservation, physicochemical variation, residue mobility, and thermodynamic stability) has been performed for this missense variant. However, the output from this modeling did not meet the statistical confidence thresholds required to predict the impact of this variant on SAMHD1 protein function. In summary, the available evidence is currently insufficient to determine the role of this variant in disease. Therefore, it has been classified as a Variant of Uncertain Significance.

NM_015474.4(SAMHD1):c.1648A>T (p.Ile550Phe)

Gene: SAMHD1 (SAM and HD domain containing deoxynucleoside triphosphate triphosphohydrolase 1; minus strand). Cytogenetic location: 20q11.23.
Variant type: single nucleotide variant.
Coding change: c.1648A>T on transcript NM_015474.4 (MANE Select); coding-DNA position 1648, A replaced by T.
Protein change: p.Ile550Phe; replaces isoleucine 550 with phenylalanine.
Molecular consequence: missense variant.
Genome position (GRCh38, 1-based): chr20:36,897,920, T>A on the plus strand (A>T on the coding strand, the complement: SAMHD1 is on the minus strand). VCF-style: chr20-36897920-T-A. GRCh37 (hg19) VCF-style: chr20-35526323-T-A.
Other names: c.1543A>T, p.Ile515Phe (NM_001363729.2); c.1648A>T, p.Ile550Phe (NM_001363733.2); short protein forms I550F, I515F.
Identifiers: ClinVar variation 2001065 (VCV002001065.4), dbSNP rs2515217558, ClinGen allele CA408839530.